The following is an entry in ClinVar:

NR_003051.3(RMRP):r.-25_-7dupTACTACTCTGTGAAGCTGA

Gene: RMRP (RNA component of mitochondrial RNA processing endoribonuclease; minus strand). Cytogenetic location: 9p13.3.
Variant type: Duplication.
Genome position: GRCh38 VCF-style: chr9-35658024-C-CTCAGCTTCACAGAGTAGTA. GRCh37 (hg19) VCF-style: chr9-35658021-C-CTCAGCTTCACAGAGTAGTA.
Identifiers: ClinVar variation 424434 (VCV000424434.2), dbSNP rs1554651455, ClinGen allele CA16618857.
Genomic context (GRCh38, chr9:35,658,024, plus strand): 5'-GGGAGGAACAGAGTCCTCAGTGTGTAGCCTAGGATACAGGCCTTCAGCACGAACCACGTC[C>CTCAGCTTCACAGAGTAGTA]TCAGCTTCACAGAGTAGTATTTTATAGCCCTAAAGAAATTGTGTTTTATGATTAGGGTGA-3'

ClinVar aggregate classification (germline): Likely pathogenic. Review status: criteria provided, multiple submitters, no conflicts (2 of 4 stars). 2 submissions from 2 submitters: Likely pathogenic (2). Last evaluated 2024-03-28.

Conditions:
Metaphyseal chondrodysplasia, McKusick type (CHH). Also called: Cartilage-hair hypoplasia; Cartilage-Hair Hypoplasia (CHH). Identifiers: Orphanet 175, MedGen C0220748, MONDO:0009595, OMIM 250250.

Submissions (2):

Women's Health and Genetics/Laboratory Corporation of America, LabCorp
Classification: Likely pathogenic for Metaphyseal chondrodysplasia, McKusick type. Last evaluated: 2024-03-28. Review status: criteria provided, single submitter. Criteria: LabCorp Variant Classification Summary - May 2015. Collection method: clinical testing. Allele origin: germline.
Comment: Variant summary: RMRP n.-25_-7dup19 involves the duplication of 19 nucleotides in the promoter region of RMRP, which is located between the TATA box (-33 to -25) and the transcription initiation site. Other insertions, duplications or triplications in the promoter region of RMRP have been classified as pathogenic (internally and in ClinVar). The variant was absent in 127922 control chromosomes (gnomAD). The available data on variant occurrences in the general population are insufficient to allow any conclusion about variant significance. The available data on variant occurrences in the general population are insufficient to allow any conclusion about variant significance. To our knowledge, no occurrence of n.-25_-7dup19 in individuals affected with Cartilage-Hair Hypoplasia and no experimental evidence demonstrating its impact on protein function have been reported. However, many other insertions or duplications in the promoter region of RMRP have been reported in affected individuals in the literature (e.g. PMIDs: 21956908, 21396580) and have been demonstrated through functional studies to lead to reduced RMRP transcription (e.g. PMIDs: 11207361, 16254002, 17937437). ClinVar contains an entry for this variant (Variation ID: 424434). Based on the evidence outlined above, the variant was classified as likely pathogenic.

GeneDx
Classification: Likely pathogenic. Last evaluated: 2017-03-27. Review status: criteria provided, single submitter. Criteria: GeneDx Variant Classification (06012015). Collection method: clinical testing. Allele origin: germline. Affected: yes.
Comment: The RMRP gene is not translated and codes for the RNA component of a mitochondrial RNA processing endoribonuclease. The r.(-25_-7dup19) variant has not been published as a pathogenic variant, nor has it been reported as a benign variant to our knowledge. The variant's position has low coverage in the ExAC dataset, and population data is therefore unavailable (Lek et al., 2016). Multiple nearby duplication and insertion variants in the regulatory region of RMRP have been reported in the Human Gene Mutation Database in association with RMRP-related disorders (Stenson et al., 2014), supporting the functional importance of this region of the gene. In summary, this variant is likely pathogenic; however, the possibility that it is benign cannot be excluded.